The following is an entry in ClinVar:

NM_001267550.2(TTN):c.71083G>T (p.Glu23695Ter)

Genes: TTN (titin; minus strand), TTN-AS1 (TTN antisense RNA 1; plus strand). Cytogenetic location: 2q31.2.
Variant type: single nucleotide variant.
Coding change: c.71083G>T on transcript NM_001267550.2 (MANE Select); coding-DNA position 71083, G replaced by T.
Protein change: p.Glu23695Ter; replaces glutamic acid 23695 with a stop codon.
Molecular consequence: nonsense.
Genome position (GRCh38, 1-based): chr2:178,575,049, C>A on the plus strand (G>T on the coding strand, the complement: TTN is on the minus strand). VCF-style: chr2-178575049-C-A. GRCh37 (hg19) VCF-style: chr2-179439776-C-A.
Other names: c.66160G>T, p.Glu22054Ter (NM_001256850.1); c.43888G>T, p.Glu14630Ter (NM_003319.4); c.63379G>T, p.Glu21127Ter (NM_133378.4); c.44263G>T, p.Glu14755Ter (NM_133432.3); c.44464G>T, p.Glu14822Ter (NM_133437.4); short protein forms E14630*, E14755*, E14822*, E21127*, E22054*, E23695*.
Identifiers: ClinVar variation 689532 (VCV000689532.3), dbSNP rs1575796530, ClinGen allele CA349659461.

ClinVar aggregate classification (germline): Likely pathogenic. Review status: criteria provided, single submitter (1 of 4 stars). 2 submissions from 2 submitters: Likely pathogenic (1). 1 of the submissions does not count toward it. Last evaluated 2023-01-20.

Conditions:
Cardiovascular phenotype. Identifiers: MedGen CN230736.
Primary dilated cardiomyopathy (DCM). Also called: Dilated Cardiomyopathy. Identifiers: Orphanet 217604, MedGen C0007193, MeSH D002311, MONDO:0005021, HP:0001644. Inheritance: Various modes of inheritance.

Submissions (2):

Ambry Genetics
Classification: Likely pathogenic for Cardiovascular phenotype. Last evaluated: 2023-01-20. Review status: criteria provided, single submitter. Criteria: Ambry Variant Classification Scheme 2023. Collection method: clinical testing. Allele origin: germline.
Comment: The p.E14630* variant (also known as c.43888G>T), located in coding exon 153 of the TTN gene, results from a G to T substitution at nucleotide position 43888. This changes the amino acid from a glutamic acid to a stop codon within coding exon 153. This exon is located in the A-band region of the N2-B isoform of the titin protein and is constitutively expressed in TTN transcripts (percent spliced in or PSI 100%). This alteration has been reported in a cardiomyopathy/arrhythmia cohort; however, clinical details were limited (Kolokotronis K et al. J Clin Med, 2020 Jul;9:[ePub ahead of print]). This variant is considered to be rare based on population cohorts in the Genome Aggregation Database (gnomAD). In addition to the clinical data presented in the literature, this alteration is expected to result in loss of function by premature protein truncation or nonsense-mediated mRNA decay. While truncating variants in TTN are present in 1-3% of the general population, truncating variants in the A-band are the most common cause of dilated cardiomyopathy (DCM) (Herman DS et al. N. Engl. J. Med., 2012 Feb;366:619-28; Roberts AM et al. Sci Transl Med, 2015 Jan;7:270ra6). TTN truncating variants encoded in constitutive exons (PSI >90%) have been found to be significantly associated with DCM regardless of their position in titin (Schafer S et al. Nat. Genet., 2017 01;49:46-53). Based on the majority of available evidence to date, this variant is likely to be pathogenic.

Institute of Human Genetics, University of Wuerzburg
Classification: Likely pathogenic for Primary dilated cardiomyopathy. Review status: no assertion criteria provided. Collection method: clinical testing. Allele origin: unknown. Not counted in ClinVar's aggregate classification.

Literature cited by the submitters: PubMed 32659924 (cited by Ambry Genetics).